The following is an entry in ClinVar:

ClinVar aggregate classification (germline): Uncertain significance (1 of 4 stars; one submission).

Conditions:
Arrhythmogenic right ventricular dysplasia 11. Also called: ARRHYTHMOGENIC RIGHT VENTRICULAR DYSPLASIA, FAMILIAL, 11; Arrhythmogenic Right Ventricular Dysplasia/Cardiomyopathy11; Arrhythmogenic right ventricular dysplasia 11 with mild palmoplantar keratoderma and woolly hair. Identifiers: MedGen C1864850, MONDO:0012506, OMIM 610476.

Submission:

Labcorp Genetics (formerly Invitae), Labcorp
Classification: Uncertain significance for Arrhythmogenic right ventricular dysplasia 11. Last evaluated: 2024-12-17. Review status: criteria provided, single submitter. Criteria: Invitae Variant Classification Sherloc (09022015). Collection method: clinical testing. Allele origin: germline.
Comment: This sequence change replaces methionine, which is neutral and non-polar, with threonine, which is neutral and polar, at codon 622 of the DSC2 protein (p.Met622Thr). This variant is not present in population databases (gnomAD no frequency). This variant has not been reported in the literature in individuals affected with DSC2-related conditions. Invitae Evidence Modeling of protein sequence and biophysical properties (such as structural, functional, and spatial information, amino acid conservation, physicochemical variation, residue mobility, and thermodynamic stability) indicates that this missense variant is not expected to disrupt DSC2 protein function with a negative predictive value of 80%. In summary, the available evidence is currently insufficient to determine the role of this variant in disease. Therefore, it has been classified as a Variant of Uncertain Significance.

NM_024422.6(DSC2):c.1865T>C (p.Met622Thr)

Gene: DSC2 (desmocollin 2; minus strand). Cytogenetic location: 18q12.1.
Variant type: single nucleotide variant.
Coding change: c.1865T>C on transcript NM_024422.6 (MANE Select); coding-DNA position 1865, T replaced by C.
Protein change: p.Met622Thr; replaces methionine 622 with threonine.
Molecular consequence: missense variant.
Genome position (GRCh38, 1-based): chr18:31,074,706, A>G on the plus strand (T>C on the coding strand, the complement: DSC2 is on the minus strand). VCF-style: chr18-31074706-A-G. GRCh37 (hg19) VCF-style: chr18-28654672-A-G.
Other names: c.1436T>C, p.Met479Thr (NM_001406506.1, NM_001406507.1); c.1865T>C, p.Met622Thr (NM_004949.5); short protein forms M622T, M479T.
Identifiers: ClinVar variation 3715222 (VCV003715222.2).
Genomic context (GRCh38, chr18:31,074,706, plus strand): 5'-TGTTGAAAAGGACAAAGCAATTTTCAAAAATATATACCATTAATTGCTTTCAGTCTCCAC[A>G]TTCTCTGTACTTCTGAAGTAGAACTCTCCAGACTAAAGTCAAAGGGTGGGCCATGGATAG-3'
Protein context (NP_077740.1, residues 612-632): LESSTSEVQR[Met622Thr]WRLKAINDTA